The following is an entry in ClinVar:

NM_000361.3(THBD):c.1695C>G (p.His565Gln)

Gene: THBD (thrombomodulin; minus strand). Cytogenetic location: 20p11.21.
Variant type: single nucleotide variant.
Coding change: c.1695C>G on transcript NM_000361.3 (MANE Select); coding-DNA position 1695, C replaced by G.
Protein change: p.His565Gln; replaces histidine 565 with glutamine.
Molecular consequence: missense variant.
Genome position (GRCh38, 1-based): chr20:23,047,810, G>C on the plus strand (C>G on the coding strand, the complement: THBD is on the minus strand). VCF-style: chr20-23047810-G-C. GRCh37 (hg19) VCF-style: chr20-23028447-G-C.
Other names: short protein forms H565Q.
Identifiers: ClinVar variation 4704568 (VCV004704568.1).

ClinVar aggregate classification (germline): Uncertain significance (1 of 4 stars; one submission).

Submission:

Labcorp Genetics (formerly Invitae), Labcorp
Classification: Uncertain significance. Last evaluated: 2025-02-09. Review status: criteria provided, single submitter. Criteria: Invitae Variant Classification Sherloc (09022015). Collection method: clinical testing. Allele origin: germline.
Comment: This sequence change replaces histidine, which is basic and polar, with glutamine, which is neutral and polar, at codon 565 of the THBD protein (p.His565Gln). This variant is not present in population databases (gnomAD no frequency). This variant has not been reported in the literature in individuals affected with THBD-related conditions. An algorithm developed to predict the effect of missense changes on protein structure and function outputs the following: PolyPhen-2: "Benign". The glutamine amino acid residue is found in multiple mammalian species, which suggests that this missense change does not adversely affect protein function. In summary, the available evidence is currently insufficient to determine the role of this variant in disease. Therefore, it has been classified as a Variant of Uncertain Significance.